The following is an entry in ClinVar:

NM_006531.5(IFT88):c.553G>A (p.Val185Ile)

Gene: IFT88 (intraflagellar transport 88; plus strand). Cytogenetic location: 13q12.11.
Variant type: single nucleotide variant.
Coding change: c.553G>A on transcript NM_006531.5 (MANE Select); coding-DNA position 553, G replaced by A.
Protein change: p.Val185Ile; replaces valine 185 with isoleucine.
Molecular consequence: missense variant. On other transcripts: 5 prime UTR variant (1), non-coding transcript variant (5).
Genome position (GRCh38, 1-based): chr13:20,597,078, G>A. VCF-style: chr13-20597078-G-A. GRCh37 (hg19) VCF-style: chr13-21171217-G-A.
Other names: c.496G>A, p.Val166Ile (NM_001318491.2, NM_001353573.2, NM_001353574.2 and 1 more transcripts); c.580G>A, p.Val194Ile (NM_001318493.2, NM_001353565.2, NM_001353566.2 and 6 more transcripts); c.553G>A, p.Val185Ile (NM_001353568.2, NM_001353571.2, NM_001353572.2 and 1 more transcripts); c.-81G>A (NM_001353579.2); short protein forms V166I, V185I, V194I.
Identifiers: ClinVar variation 2193940 (VCV002193940.4), dbSNP rs1299266664, ClinGen allele CA387472824.
Genomic context (GRCh38, chr13:20,597,078, plus strand): 5'-TTAGAAAAGGCAAAAGATGCAGGAAGAAAAGAGAGAGTCCTGGTGAGACAGCGAGAACAA[G>A]TTACAACTCCAGAAAATATCAATTTGGATTTAACTTACTCAGTAAGTATTGAAATATAAC-3'
Protein context (NP_006522.2, residues 175-195): ERVLVRQREQ[Val185Ile]TTPENINLDL

ClinVar aggregate classification (germline): Uncertain significance (1 of 4 stars; one submission).

Allele frequency attached by ClinVar (database versions not stated): TOPMed below 0.00001; gnomAD exomes 0.00001.
gnomAD v4.1: 5 of 1,606,642 alleles (0.00031%); highest among the groups gnomAD compares: Admixed American, 0.0051%; no homozygotes.

Submission:

Labcorp Genetics (formerly Invitae), Labcorp
Classification: Uncertain significance. Last evaluated: 2024-01-19. Review status: criteria provided, single submitter. Criteria: Invitae Variant Classification Sherloc (09022015). Collection method: clinical testing. Allele origin: germline.
Comment: This sequence change replaces valine, which is neutral and non-polar, with isoleucine, which is neutral and non-polar, at codon 194 of the IFT88 protein (p.Val194Ile). This variant is present in population databases (no rsID available, gnomAD 0.009%). This variant has not been reported in the literature in individuals affected with IFT88-related conditions. ClinVar contains an entry for this variant (Variation ID: 2193940). Algorithms developed to predict the effect of missense changes on protein structure and function output the following: SIFT: "Not Available"; PolyPhen-2: "Not Available"; Align-GVGD: "Not Available". The isoleucine amino acid residue is found in multiple mammalian species, which suggests that this missense change does not adversely affect protein function. In summary, the available evidence is currently insufficient to determine the role of this variant in disease. Therefore, it has been classified as a Variant of Uncertain Significance.